The following is an entry in ClinVar:

ClinVar aggregate classification (germline): Uncertain significance (1 of 4 stars; one submission).

Conditions:
Hereditary cancer-predisposing syndrome. Also called: Neoplastic Syndromes, Hereditary; Tumor predisposition; Hereditary Cancer Syndrome; Hereditary neoplastic syndrome. Identifiers: Orphanet 140162, MedGen C0027672, MeSH D009386, MONDO:0015356.

Submission:

Ambry Genetics
Classification: Uncertain significance for Hereditary cancer-predisposing syndrome. Last evaluated: 2025-09-30. Review status: criteria provided, single submitter. Criteria: Ambry Variant Classification Scheme 2023. Collection method: clinical testing. Allele origin: germline.
Comment: The c.77_79dupTGG variant (also known as p.L26_A27insV), located in coding exon 1 of the PHOX2B gene, results from an in-frame duplication of TGG at nucleotide positions 77 to 79. This results in the insertion of an extra valine residue between codons 26 and 27. This amino acid region is highly conserved in available vertebrate species. In addition, this variant is predicted to be neutral by in silico analysis (Choi Y et al. PLoS ONE. 2012; 7(10):e46688). Based on the available evidence, the clinical significance of this variant remains unclear.

NM_003924.4(PHOX2B):c.77_79dup (p.Leu26_Ala27insVal)

Genes: PHOX2B-AS1 (PHOX2B antisense RNA 1; plus strand), PHOX2B (paired like homeobox 2B; minus strand). Cytogenetic location: 4p13.
Variant type: Duplication.
Coding change: c.77_79dup on transcript NM_003924.4 (MANE Select); coding-DNA positions 77 to 79, 3 bases duplicated (TGG; older notation c.77_79dupTGG).
Protein change: p.Leu26_Ala27insVal.
Molecular consequence: inframe insertion. On other transcripts: non-coding transcript variant (1), inframe indel (1).
Genome position (GRCh38, 1-based): chr4:41,748,532-41,748,534, CCA duplicated on the plus strand (TGG on the coding strand, the reverse complement: PHOX2B is on the minus strand). VCF-style (leftmost placement, unchanged base first): chr4-41748531-G-GCCA. GRCh37 (hg19) VCF-style: chr4-41750548-G-GCCA.
Other names: c.77_79dupTGG (NM_003924.3).
Identifiers: ClinVar variation 4665901 (VCV004665901.1).